The following is an entry in ClinVar:

NM_001292063.2(OTOG):c.2632_2634dup (p.Phe878_Val879insPhe)

Gene: OTOG (otogelin; plus strand). Cytogenetic location: 11p15.1.
Variant type: Duplication.
Coding change: c.2632_2634dup on transcript NM_001292063.2 (MANE Select); coding-DNA positions 2632 to 2634, 3 bases duplicated (TTC; older notation c.2632_2634dupTTC).
Protein change: p.Phe878_Val879insPhe.
Molecular consequence: inframe insertion.
Genome position (GRCh38, 1-based): chr11:17,578,399-17,578,401, TTC duplicated; duplicating any 3 consecutive bases within chr11:17,578,397-17,578,401 gives the same sequence; the c. name uses the placement nearest the transcript's 3' end. VCF-style (leftmost placement, unchanged base first): chr11-17578396-G-GTCT. GRCh37 (hg19) VCF-style: chr11-17599943-G-GTCT.
Other names: c.2668_2670dup, p.Phe890_Val891insPhe (NM_001277269.2).
Identifiers: ClinVar variation 4984887 (VCV004984887.1).
Genomic context (GRCh38, chr11:17,578,396, plus strand): 5'-GCCCCAGGGCCTCCGCTCCCATCTTCTTCTCTTCCAGCTGCTGCCTGCCCAGCAGGCCAG[G>GTCT]TCTTCGTGAACTGCAGCGACCTGCACACGGACCTGGAGCTGAGCAGGGAGAGGACGTGTG-3'

ClinVar aggregate classification (germline): Uncertain significance (1 of 4 stars; one submission).

Conditions:
OTOG-related disorder. Also called: OTOG-related condition.

Submission:

PreventionGenetics, part of Exact Sciences
Classification: Uncertain significance for OTOG-related condition. Last evaluated: 2026-05-28. Review status: criteria provided, single submitter. Criteria: ACMG Guidelines, 2015. Collection method: clinical testing. Allele origin: germline.
Comment: The OTOG c.2668_2670dupTTC variant is predicted to result in an in-frame duplication (p.Phe890dup). To our knowledge, this variant has not been reported in the literature or in a large population database (gnomAD), indicating this variant is rare. At this time, the clinical significance of this variant is uncertain due to the absence of conclusive functional and genetic evidence.